The following is an entry in ClinVar:

ClinVar aggregate classification (germline): Uncertain significance (1 of 4 stars; one submission).

Submission:

Labcorp Genetics (formerly Invitae), Labcorp
Classification: Uncertain significance. Last evaluated: 2022-08-01. Review status: criteria provided, single submitter. Criteria: Invitae Variant Classification Sherloc (09022015). Collection method: clinical testing. Allele origin: germline.
Comment: This sequence change replaces asparagine, which is neutral and polar, with serine, which is neutral and polar, at codon 335 of the SCLT1 protein (p.Asn335Ser). This variant is not present in population databases (gnomAD no frequency). This variant has not been reported in the literature in individuals affected with SCLT1-related conditions. Algorithms developed to predict the effect of missense changes on protein structure and function (SIFT, PolyPhen-2, Align-GVGD) all suggest that this variant is likely to be tolerated. In summary, the available evidence is currently insufficient to determine the role of this variant in disease. Therefore, it has been classified as a Variant of Uncertain Significance.

NM_144643.4(SCLT1):c.1004A>G (p.Asn335Ser)

Gene: SCLT1 (sodium channel and clathrin linker 1; minus strand). Cytogenetic location: 4q28.2.
Variant type: single nucleotide variant.
Coding change: c.1004A>G on transcript NM_144643.4 (MANE Select); coding-DNA position 1004, A replaced by G.
Protein change: p.Asn335Ser; replaces asparagine 335 with serine.
Molecular consequence: missense variant.
Genome position (GRCh38, 1-based): chr4:128,959,643, T>C on the plus strand (A>G on the coding strand, the complement: SCLT1 is on the minus strand). VCF-style: chr4-128959643-T-C. GRCh37 (hg19) VCF-style: chr4-129880798-T-C.
Other names: c.1004A>G, p.Asn335Ser (NM_001410807.1); short protein forms N335S.
Identifiers: ClinVar variation 2122727 (VCV002122727.4), dbSNP rs2530448669, ClinGen allele CA358188666.